The following is an entry in ClinVar:

ClinVar aggregate classification (germline): Benign/Likely benign. Review status: criteria provided, multiple submitters, no conflicts (2 of 4 stars). 3 submissions from 3 submitters: Benign (1); Likely benign (1). 1 of the submissions does not count toward it. Last evaluated 2026-01-29.

Conditions:
VCAN-related disorder. Also called: VCAN-related condition.

Allele frequency attached by ClinVar (database versions not stated): gnomAD exomes 0.00015 and 0.00044; ExAC 0.00056; gnomAD 0.00162 and 0.00171; ESP Exome Variant Server 0.00169; TOPMed 0.00179; 1000 Genomes Project 0.00200; 1000 Genomes Project 30x 0.00203.
gnomAD v4.1: 468 of 1,614,098 alleles (0.029%); highest among the groups gnomAD compares: African/African-American, 0.57%; 3 homozygotes.

Submissions (3):

Labcorp Genetics (formerly Invitae), Labcorp
Classification: Benign. Last evaluated: 2026-01-29. Review status: criteria provided, single submitter. Criteria: Invitae Variant Classification Sherloc (09022015). Collection method: clinical testing. Allele origin: germline.

Blueprint Genetics
Classification: Likely benign. Last evaluated: 2023-09-14. Review status: criteria provided, single submitter. Criteria: ACMG Guidelines, 2015. Collection method: clinical testing. Allele origin: germline.

PreventionGenetics, part of Exact Sciences
Classification: Benign for VCAN-related condition. Last evaluated: 2019-04-16. Review status: no assertion criteria provided. Collection method: clinical testing. Allele origin: germline. Not counted in ClinVar's aggregate classification.
Comment: This variant is classified as benign based on ACMG/AMP sequence variant interpretation guidelines (Richards et al. 2015 PMID: 25741868, with internal and published modifications).

NM_004385.5(VCAN):c.9960G>C (p.Leu3320=)

Gene: VCAN (versican; plus strand). Cytogenetic location: 5q14.3.
Variant type: single nucleotide variant.
Coding change: c.9960G>C on transcript NM_004385.5 (MANE Select); coding-DNA position 9960, G replaced by C.
Protein change: p.Leu3320=; no amino-acid change (leucine 3320 retained).
Molecular consequence: synonymous variant.
Genome position (GRCh38, 1-based): chr5:83,580,059, G>C. VCF-style: chr5-83580059-G-C. GRCh37 (hg19) VCF-style: chr5-82875878-G-C.
Other names: c.1737G>C, p.Leu579= (NM_001126336.3); c.6999G>C, p.Leu2333= (NM_001164097.2); c.4698G>C, p.Leu1566= (NM_001164098.2).
Identifiers: ClinVar variation 722705 (VCV000722705.14), dbSNP rs1802711, ClinGen allele CA3334135.
Genomic context (GRCh38, chr5:83,580,059, plus strand): 5'-TGTTGTAGAAAATGCCAAGACCTTTGGAAAGATGAAACCTCGTTATGAAATCAACTCCCT[G>C]ATTAGATACCACTGCAAAGATGGTTTCATTCAACGTCACCTTCCAACTATCCGGTGCTTA-3'
Protein context (NP_004376.2, residues 3310-3330): KMKPRYEINS[Leu3320=]IRYHCKDGFI